The following is an entry in ClinVar:

ClinVar aggregate classification (germline): Conflicting classifications of pathogenicity. Review status: criteria provided, conflicting classifications (1 of 4 stars). 3 submissions from 3 submitters: Uncertain significance (2); Benign (1). Last evaluated 2025-09-02.

Conditions:
Inborn genetic diseases. Identifiers: MedGen C0950123, MeSH D030342.
Intellectual developmental disorder, autosomal dominant 1. Also called: MBD5 Haploinsufficiency; Intellectual disability, autosomal dominant 1. Identifiers: Orphanet 228402, MedGen C1969562, MONDO:0007974, OMIM 156200.

Allele frequency attached by ClinVar (database versions not stated): gnomAD exomes below 0.00001.
gnomAD v4.1: 2 of 1,613,808 alleles (0.00012%); highest among the groups gnomAD compares: Non-Finnish European, 0.000085%; no homozygotes.

Submissions (3):

Labcorp Genetics (formerly Invitae), Labcorp
Classification: Benign for Intellectual developmental disorder, autosomal dominant 1. Last evaluated: 2025-09-02. Review status: criteria provided, single submitter. Criteria: Invitae Variant Classification Sherloc (09022015). Collection method: clinical testing. Allele origin: germline.

Ambry Genetics
Classification: Uncertain significance for Inborn genetic diseases. Last evaluated: 2024-11-08. Review status: criteria provided, single submitter. Criteria: Ambry Variant Classification Scheme 2023. Collection method: clinical testing. Allele origin: germline.

GeneDx
Classification: Uncertain significance. Last evaluated: 2021-02-02. Review status: criteria provided, single submitter. Criteria: GeneDx Variant Classification Process June 2021. Collection method: clinical testing. Allele origin: germline. Affected: yes.
Comment: Not observed in large population cohorts (Lek et al., 2016); In silico analysis, which includes protein predictors and evolutionary conservation, supports that this variant does not alter protein structure/function; Has not been previously published as pathogenic or benign to our knowledge

NM_001378120.1(MBD5):c.2416T>G (p.Ser806Ala)

Gene: MBD5 (methyl-CpG binding domain protein 5; plus strand). Cytogenetic location: 2q23.1.
Variant type: single nucleotide variant.
Coding change: c.2416T>G on transcript NM_001378120.1 (MANE Select); coding-DNA position 2416, T replaced by G.
Protein change: p.Ser806Ala; replaces serine 806 with alanine.
Molecular consequence: missense variant.
Genome position (GRCh38, 1-based): chr2:148,470,359, T>G. VCF-style: chr2-148470359-T-G. GRCh37 (hg19) VCF-style: chr2-149227928-T-G.
Other names: c.2416T>G, p.Ser806Ala (NM_018328.5); short protein forms S806A.
Identifiers: ClinVar variation 1170566 (VCV001170566.13), dbSNP rs894958571, ClinGen allele CA57579853.